The following is an entry in ClinVar:

NM_001364564.1(SALL2):c.641C>T (p.Thr214Met)

Gene: SALL2 (spalt like transcription factor 2; minus strand). Cytogenetic location: 14q11.2.
Variant type: single nucleotide variant.
Coding change: c.641C>T on transcript NM_001364564.1 (MANE Select); coding-DNA position 641, C replaced by T.
Protein change: p.Thr214Met; replaces threonine 214 with methionine.
Molecular consequence: missense variant. On other transcripts: intron variant (2).
Genome position (GRCh38, 1-based): chr14:21,525,081, G>A on the plus strand (C>T on the coding strand, the complement: SALL2 is on the minus strand). VCF-style: chr14-21525081-G-A. GRCh37 (hg19) VCF-style: chr14-21993215-G-A.
Other names: c.647C>T (NM_005407.1); c.647C>T, p.Thr216Met (NM_005407.3); c.392-150C>T (NM_001291446.2); c.386-150C>T (NM_001291447.2); short protein forms T214M, T216M.
Identifiers: ClinVar variation 3041092 (VCV003041092.4), dbSNP rs201605296, ClinGen allele CA7093813.

ClinVar aggregate classification (germline): Conflicting classifications of pathogenicity. Review status: criteria provided, conflicting classifications (1 of 4 stars). 3 submissions from 3 submitters: Uncertain significance (1); Benign (1). 1 of the submissions does not count toward it. Last evaluated 2026-01-06.

Conditions:
SALL2-related disorder. Also called: SALL2-related condition.

Allele frequency attached by ClinVar (database versions not stated): 1000 Genomes Project 30x 0.00062; 1000 Genomes Project 0.00080.

Submissions (3):

Labcorp Genetics (formerly Invitae), Labcorp
Classification: Benign. Last evaluated: 2026-01-06. Review status: criteria provided, single submitter. Criteria: Invitae Variant Classification Sherloc (09022015). Collection method: clinical testing. Allele origin: germline.

Ambry Genetics
Classification: Uncertain significance. Last evaluated: 2025-10-29. Review status: criteria provided, single submitter. Criteria: Ambry Variant Classification Scheme 2023. Collection method: clinical testing. Allele origin: germline.

PreventionGenetics, part of Exact Sciences
Classification: Likely benign for SALL2-related condition. Last evaluated: 2020-09-15. Review status: no assertion criteria provided. Collection method: clinical testing. Allele origin: germline. Not counted in ClinVar's aggregate classification.
Comment: This variant is classified as likely benign based on ACMG/AMP sequence variant interpretation guidelines (Richards et al. 2015 PMID: 25741868, with internal and published modifications).